The following is an entry in ClinVar:

NM_005732.4(RAD50):c.3908G>A (p.Ser1303Asn)

Genes: TH2LCRR (T helper type 2 locus control region associated RNA; minus strand), RAD50 (RAD50 double strand break repair protein; plus strand). Cytogenetic location: 5q31.1.
Variant type: single nucleotide variant.
Coding change: c.3908G>A on transcript NM_005732.4 (MANE Select); coding-DNA position 3908, G replaced by A.
Protein change: p.Ser1303Asn; replaces serine 1303 with asparagine.
Molecular consequence: missense variant.
Genome position (GRCh38, 1-based): chr5:132,642,333, G>A. VCF-style: chr5-132642333-G-A. GRCh37 (hg19) VCF-style: chr5-131978025-G-A.
Other names: short protein forms S1303N.
Identifiers: ClinVar variation 1061298 (VCV001061298.11), dbSNP rs766044158, ClinGen allele CA360937486.

ClinVar aggregate classification (germline): Conflicting classifications of pathogenicity. Review status: criteria provided, conflicting classifications (1 of 4 stars). 2 submissions from 2 submitters: Uncertain significance (1); Likely benign (1). Last evaluated 2023-03-26.

Conditions:
Hereditary cancer-predisposing syndrome. Also called: Neoplastic Syndromes, Hereditary; Hereditary Cancer Syndrome; Hereditary neoplastic syndrome; Tumor predisposition. Identifiers: Orphanet 140162, MedGen C0027672, MeSH D009386, MONDO:0015356.

Allele frequency attached by ClinVar (database versions not stated): TOPMed below 0.00001.

Submissions (2):

Labcorp Genetics (formerly Invitae), Labcorp
Classification: Uncertain significance for Hereditary cancer-predisposing syndrome. Last evaluated: 2023-03-26. Review status: criteria provided, single submitter. Criteria: Invitae Variant Classification Sherloc (09022015). Collection method: clinical testing. Allele origin: germline.
Comment: This sequence change replaces serine, which is neutral and polar, with asparagine, which is neutral and polar, at codon 1303 of the RAD50 protein (p.Ser1303Asn). In summary, the available evidence is currently insufficient to determine the role of this variant in disease. Therefore, it has been classified as a Variant of Uncertain Significance. Advanced modeling of protein sequence and biophysical properties (such as structural, functional, and spatial information, amino acid conservation, physicochemical variation, residue mobility, and thermodynamic stability) performed at Invitae indicates that this missense variant is not expected to disrupt RAD50 protein function. ClinVar contains an entry for this variant (Variation ID: 1061298). This variant has not been reported in the literature in individuals affected with RAD50-related conditions. This variant is not present in population databases (gnomAD no frequency).

Ambry Genetics
Classification: Likely benign for Hereditary cancer-predisposing syndrome. Last evaluated: 2022-08-29. Review status: criteria provided, single submitter. Criteria: Ambry Variant Classification Scheme 2023. Collection method: clinical testing. Allele origin: germline.